The following is an entry in ClinVar:

NM_000291.4(PGK1):c.754G>C (p.Glu252Gln)

Gene: PGK1 (phosphoglycerate kinase 1; plus strand). Cytogenetic location: Xq21.1.
Variant type: single nucleotide variant.
Coding change: c.754G>C on transcript NM_000291.4 (MANE Select); coding-DNA position 754, G replaced by C.
Protein change: p.Glu252Gln; replaces glutamic acid 252 with glutamine.
Molecular consequence: missense variant.
Genome position (GRCh38, 1-based): chrX:78,122,947, G>C. VCF-style: chrX-78122947-G-C. GRCh37 (hg19) VCF-style: chrX-77378444-G-C.
Other names: short protein forms E252Q.
Identifiers: ClinVar variation 2780245 (VCV002780245.3), dbSNP rs2522502121, ClinGen allele CA413716059.

ClinVar aggregate classification (germline): Uncertain significance (1 of 4 stars; one submission).

Submission:

Labcorp Genetics (formerly Invitae), Labcorp
Classification: Uncertain significance. Last evaluated: 2023-12-28. Review status: criteria provided, single submitter. Criteria: Invitae Variant Classification Sherloc (09022015). Collection method: clinical testing. Allele origin: germline.
Comment: This sequence change replaces glutamic acid, which is acidic and polar, with glutamine, which is neutral and polar, at codon 252 of the PGK1 protein (p.Glu252Gln). This variant is not present in population databases (gnomAD no frequency). This variant has not been reported in the literature in individuals affected with PGK1-related conditions. An algorithm developed to predict the effect of missense changes on protein structure and function (PolyPhen-2) suggests that this variant is likely to be tolerated. In summary, the available evidence is currently insufficient to determine the role of this variant in disease. Therefore, it has been classified as a Variant of Uncertain Significance.